The following is an entry in ClinVar:

NM_004360.5(CDH1):c.1486T>G (p.Ser496Ala)

Gene: CDH1 (cadherin 1; plus strand). Cytogenetic location: 16q22.1.
Variant type: single nucleotide variant.
Coding change: c.1486T>G on transcript NM_004360.5 (MANE Select); coding-DNA position 1486, T replaced by G.
Protein change: p.Ser496Ala; replaces serine 496 with alanine.
Molecular consequence: missense variant. On other transcripts: 5 prime UTR variant (2).
Genome position (GRCh38, 1-based): chr16:68,815,680, T>G. VCF-style: chr16-68815680-T-G. GRCh37 (hg19) VCF-style: chr16-68849583-T-G.
Other names: c.1303T>G, p.Ser435Ala (NM_001317184.2); c.-63T>G (NM_001317185.2); c.-334T>G (NM_001317186.2); short protein forms S435A, S496A.
Identifiers: ClinVar variation 4843743 (VCV004843743.2).

ClinVar aggregate classification (germline): Uncertain significance (1 of 4 stars; one submission).

Conditions:
Hereditary cancer-predisposing syndrome. Also called: Hereditary neoplastic syndrome; Neoplastic Syndromes, Hereditary; Tumor predisposition; Hereditary Cancer Syndrome. Identifiers: Orphanet 140162, MedGen C0027672, MeSH D009386, MONDO:0015356.

Submission:

Ambry Genetics
Classification: Uncertain significance for Hereditary cancer-predisposing syndrome. Last evaluated: 2026-05-08. Review status: criteria provided, single submitter. Criteria: Ambry Variant Classification Scheme 2023. Collection method: clinical testing. Allele origin: germline.
Comment: The p.S496A variant (also known as c.1486T>G), located in coding exon 10 of the CDH1 gene, results from a T to G substitution at nucleotide position 1486. The serine at codon 496 is replaced by alanine, an amino acid with similar properties. This amino acid position is conserved. In addition, this alteration is predicted to be tolerated by in silico analysis. Based on the available evidence, the clinical significance of this variant remains unclear.